The following is an entry in ClinVar:

ClinVar aggregate classification (germline): Benign (0 of 4 stars; one submission).

Conditions:
MYO7B-related disorder. Also called: MYO7B-related condition.

Allele frequency attached by ClinVar (database versions not stated): gnomAD 0.00095; 1000 Genomes Project 30x 0.00562; ExAC 0.00575; 1000 Genomes Project 0.00619.
gnomAD v4.1: 2,559 of 1,603,542 alleles (0.16%); highest among the groups gnomAD compares: South Asian, 2.7%; 61 homozygotes.

Submission:

PreventionGenetics, part of Exact Sciences
Classification: Benign for MYO7B-related condition. Last evaluated: 2019-06-19. Review status: no assertion criteria provided. Collection method: clinical testing. Allele origin: germline.
Comment: This variant is classified as benign based on ACMG/AMP sequence variant interpretation guidelines (Richards et al. 2015 PMID: 25741868, with internal and published modifications).

NM_001393586.1(MYO7B):c.5839C>T (p.Arg1947Cys)

Gene: MYO7B (myosin VIIB; plus strand). Cytogenetic location: 2q14.3.
Variant type: single nucleotide variant.
Coding change: c.5839C>T on transcript NM_001393586.1 (MANE Select); coding-DNA position 5839, C replaced by T.
Protein change: p.Arg1947Cys; replaces arginine 1947 with cysteine.
Molecular consequence: missense variant.
Genome position (GRCh38, 1-based): chr2:127,635,740, C>T. VCF-style: chr2-127635740-C-T. GRCh37 (hg19) VCF-style: chr2-128393315-C-T.
Other names: c.5761C>T, p.Arg1921Cys (NM_001080527.2); c.2320C>T, p.Arg774Cys (NM_001393594.1); short protein forms R1921C, R1947C, R774C.
Identifiers: ClinVar variation 3042741 (VCV003042741.2), dbSNP rs376214274, ClinGen allele CA1862458.